The following is an entry in ClinVar:

ClinVar aggregate classification (germline): Uncertain significance (1 of 4 stars; one submission).

Allele frequency attached by ClinVar (database versions not stated): gnomAD exomes 0.00001 and 0.00002; ExAC 0.00002; gnomAD 0.00004.
gnomAD v4.1: 36 of 1,613,916 alleles (0.0022%); highest among the groups gnomAD compares: African/African-American, 0.0053%; no homozygotes.

Submission:

Labcorp Genetics (formerly Invitae), Labcorp
Classification: Uncertain significance. Last evaluated: 2025-10-26. Review status: criteria provided, single submitter. Criteria: Invitae Variant Classification Sherloc (09022015). Collection method: clinical testing. Allele origin: germline.
Comment: This sequence change replaces tyrosine, which is neutral and polar, with cysteine, which is neutral and slightly polar, at codon 49 of the CXCR2 protein (p.Tyr49Cys). This variant is present in population databases (rs756891890, gnomAD 0.008%). This variant has not been reported in the literature in individuals affected with CXCR2-related conditions. ClinVar contains an entry for this variant (Variation ID: 1447599). An algorithm developed to predict the effect of missense changes on protein structure and function (PolyPhen-2) suggests that this variant is likely to be tolerated. In summary, the available evidence is currently insufficient to determine the role of this variant in disease. Therefore, it has been classified as a Variant of Uncertain Significance.

NM_001557.4(CXCR2):c.146A>G (p.Tyr49Cys)

Gene: CXCR2 (C-X-C motif chemokine receptor 2; plus strand). Cytogenetic location: 2q35.
Variant type: single nucleotide variant.
Coding change: c.146A>G on transcript NM_001557.4 (MANE Select); coding-DNA position 146, A replaced by G.
Protein change: p.Tyr49Cys; replaces tyrosine 49 with cysteine.
Molecular consequence: missense variant.
Genome position (GRCh38, 1-based): chr2:218,134,947, A>G. VCF-style: chr2-218134947-A-G. GRCh37 (hg19) VCF-style: chr2-218999670-A-G.
Other names: c.146A>G, p.Tyr49Cys (NM_001168298.2); short protein forms Y49C.
Identifiers: ClinVar variation 1447599 (VCV001447599.4), dbSNP rs756891890, ClinGen allele CA2101651.